The following is an entry in ClinVar:

ClinVar aggregate classification (germline): Uncertain significance (1 of 4 stars; one submission).

Conditions:
Severe myoclonic epilepsy in infancy (DRVT). Also called: SEVERE MYOCLONIC EPILEPSY OF INFANCY; Epileptic encephalopathy, early infantile, 6 (Dravet syndrome); Dravet syndrome; DEVELOPMENTAL AND EPILEPTIC ENCEPHALOPATHY 6A; Severe Myoclonic Epilepsy in Infancy (SMEI). Identifiers: Orphanet 33069, MedGen C0751122, MONDO:0100135, OMIM 607208.

Submission:

Labcorp Genetics (formerly Invitae), Labcorp
Classification: Uncertain significance for Severe myoclonic epilepsy in infancy. Last evaluated: 2025-02-10. Review status: criteria provided, single submitter. Criteria: Invitae Variant Classification Sherloc (09022015). Collection method: clinical testing. Allele origin: germline.
Comment: This sequence change replaces glutamic acid, which is acidic and polar, with aspartic acid, which is acidic and polar, at codon 426 of the SNX27 protein (p.Glu426Asp). This variant is not present in population databases (gnomAD no frequency). This variant has not been reported in the literature in individuals affected with SNX27-related conditions. ClinVar contains an entry for this variant (Variation ID: 847489). An algorithm developed to predict the effect of missense changes on protein structure and function (PolyPhen-2) suggests that this variant is likely to be tolerated. In summary, the available evidence is currently insufficient to determine the role of this variant in disease. Therefore, it has been classified as a Variant of Uncertain Significance.

NM_001330723.2(SNX27):c.1278A>T (p.Glu426Asp)

Gene: SNX27 (sorting nexin 27; plus strand). Cytogenetic location: 1q21.3.
Variant type: single nucleotide variant.
Coding change: c.1278A>T on transcript NM_001330723.2 (MANE Select); coding-DNA position 1278, A replaced by T.
Protein change: p.Glu426Asp; replaces glutamic acid 426 with aspartic acid.
Molecular consequence: missense variant.
Genome position (GRCh38, 1-based): chr1:151,692,473, A>T. VCF-style: chr1-151692473-A-T. GRCh37 (hg19) VCF-style: chr1-151664949-A-T.
Other names: c.1278A>T, p.Glu426Asp (NM_030918.6); short protein forms E426D.
Identifiers: ClinVar variation 847489 (VCV000847489.10), dbSNP rs1671499964, ClinGen allele CA341971920.